The following is an entry in ClinVar:

ClinVar aggregate classification (germline): Uncertain significance. Review status: criteria provided, multiple submitters, no conflicts (2 of 4 stars). 2 submissions from 2 submitters: Uncertain significance (2). Last evaluated 2025-12-01.

Conditions:
Primary ciliary dyskinesia 3. Identifiers: Orphanet 244, MedGen C1837618, MONDO:0012085, OMIM 608644.
Primary ciliary dyskinesia. Also called: Ciliary dyskinesia. Identifiers: Orphanet 244, MedGen C0008780, MONDO:0016575, HP:0012265.

Allele frequency attached by ClinVar (database versions not stated): ExAC 0.00001; gnomAD exomes 0.00001 and 0.00006; gnomAD 0.00002; TOPMed 0.00002; ESP Exome Variant Server 0.00008.
gnomAD v4.1: 88 of 1,614,014 alleles (0.0055%); highest among the groups gnomAD compares: Non-Finnish European, 0.0072%; no homozygotes.

Submissions (2):

Myriad Genetics, Inc.
Classification: Uncertain significance for Primary ciliary dyskinesia 3. Last evaluated: 2025-12-01. Review status: criteria provided, single submitter. Criteria: Myriad Autosomal Dominant, Autosomal Recessive and X-Linked Classification Criteria (2023). Collection method: clinical testing. Allele origin: unknown.
Comment: NM_001369.2(DNAH5):c.4420G>C(D1474H) is a missense variant classified as a variant of uncertain significance in the context of primary ciliary dyskinesia, DNAH5-related. D1474H has not been observed in cases with relevant disease. Relevant functional assessments of this variant are not available in the literature. D1474H has been observed in referenced population frequency databases. In summary, there is insufficient evidence to classify NM_001369.2(DNAH5):c.4420G>C(D1474H) as pathogenic or benign. Please note: this variant was assessed in the context of healthy population screening.

Labcorp Genetics (formerly Invitae), Labcorp
Classification: Uncertain significance for Primary ciliary dyskinesia. Last evaluated: 2021-08-31. Review status: criteria provided, single submitter. Criteria: Invitae Variant Classification Sherloc (09022015). Collection method: clinical testing. Allele origin: germline.
Comment: This sequence change replaces aspartic acid with histidine at codon 1474 of the DNAH5 protein (p.Asp1474His). The aspartic acid residue is moderately conserved and there is a moderate physicochemical difference between aspartic acid and histidine. This variant is present in population databases (rs371703906, ExAC 0.001%). This variant has not been reported in the literature in individuals affected with DNAH5-related conditions. Algorithms developed to predict the effect of missense changes on protein structure and function are either unavailable or do not agree on the potential impact of this missense change (SIFT: "Deleterious"; PolyPhen-2: "Probably Damaging"; Align-GVGD: "Class C0"). In summary, the available evidence is currently insufficient to determine the role of this variant in disease. Therefore, it has been classified as a Variant of Uncertain Significance.

NM_001369.3(DNAH5):c.4420G>C (p.Asp1474His)

Genes: DNAH5 (dynein axonemal heavy chain 5; minus strand), DNAH5-AS1 (DNAH5 antisense RNA 1; plus strand). Cytogenetic location: 5p15.2.
Variant type: single nucleotide variant.
Coding change: c.4420G>C on transcript NM_001369.3 (MANE Select); coding-DNA position 4420, G replaced by C.
Protein change: p.Asp1474His; replaces aspartic acid 1474 with histidine.
Molecular consequence: missense variant.
Genome position (GRCh38, 1-based): chr5:13,864,573, C>G on the plus strand (G>C on the coding strand, the complement: DNAH5 is on the minus strand). VCF-style: chr5-13864573-C-G. GRCh37 (hg19) VCF-style: chr5-13864682-C-G.
Other names: short protein forms D1474H.
Identifiers: ClinVar variation 648458 (VCV000648458.13), dbSNP rs371703906, ClinGen allele CA3203983.